The following is an entry in ClinVar:

ClinVar aggregate classification (germline): Uncertain significance. Review status: criteria provided, multiple submitters, no conflicts (2 of 4 stars). 2 submissions from 2 submitters: Uncertain significance (2). Last evaluated 2024-12-02.

Conditions:
Inborn genetic diseases. Identifiers: MedGen C0950123, MeSH D030342.

Allele frequency attached by ClinVar (database versions not stated): gnomAD exomes below 0.00001; TOPMed 0.00001.

Submissions (2):

Labcorp Genetics (formerly Invitae), Labcorp
Classification: Uncertain significance. Last evaluated: 2024-12-02. Review status: criteria provided, single submitter. Criteria: Invitae Variant Classification Sherloc (09022015). Collection method: clinical testing. Allele origin: germline.
Comment: This sequence change replaces lysine, which is basic and polar, with asparagine, which is neutral and polar, at codon 166 of the ISCU protein (p.Lys166Asn). This variant is not present in population databases (gnomAD no frequency). This variant has not been reported in the literature in individuals affected with ISCU-related conditions. ClinVar contains an entry for this variant (Variation ID: 1428543). An algorithm developed to predict the effect of missense changes on protein structure and function (PolyPhen-2) suggests that this variant is likely to be tolerated. In summary, the available evidence is currently insufficient to determine the role of this variant in disease. Therefore, it has been classified as a Variant of Uncertain Significance.

Ambry Genetics
Classification: Uncertain significance for Inborn genetic diseases. Last evaluated: 2024-01-09. Review status: criteria provided, single submitter. Criteria: Ambry Variant Classification Scheme 2023. Collection method: clinical testing. Allele origin: germline.

NM_213595.4(ISCU):c.498G>C (p.Lys166Asn)

Gene: ISCU (iron-sulfur cluster assembly enzyme; plus strand). Cytogenetic location: 12q23.3.
Variant type: single nucleotide variant.
Coding change: c.498G>C on transcript NM_213595.4 (MANE Select); coding-DNA position 498, G replaced by C.
Protein change: p.Lys166Asn; replaces lysine 166 with asparagine.
Molecular consequence: missense variant. On other transcripts: 3 prime UTR variant (3), non-coding transcript variant (1).
Genome position (GRCh38, 1-based): chr12:108,568,910, G>C. VCF-style: chr12-108568910-G-C. GRCh37 (hg19) VCF-style: chr12-108962686-G-C.
Other names: c.*119G>C (NM_001301140.1); c.*124G>C (NM_001301141.1); c.*1206G>C (NM_001320042.1); c.423G>C, p.Lys141Asn (NM_014301.4); c.498G>C (NM_213595.2); short protein forms K141N, K166N.
Identifiers: ClinVar variation 1428543 (VCV001428543.8), dbSNP rs1426924887, ClinGen allele CA386433915.